The following is an entry in ClinVar:

NM_001267550.2(TTN):c.103633C>A (p.Pro34545Thr)

Genes: TTN (titin; minus strand), TTN-AS1 (TTN antisense RNA 1; plus strand). Cytogenetic location: 2q31.2.
Variant type: single nucleotide variant.
Coding change: c.103633C>A on transcript NM_001267550.2 (MANE Select); coding-DNA position 103633, C replaced by A.
Protein change: p.Pro34545Thr; replaces proline 34545 with threonine.
Molecular consequence: missense variant.
Genome position (GRCh38, 1-based): chr2:178,532,982, G>T on the plus strand (C>A on the coding strand, the complement: TTN is on the minus strand). VCF-style: chr2-178532982-G-T. GRCh37 (hg19) VCF-style: chr2-179397709-G-T.
Other names: c.98710C>A, p.Pro32904Thr (NM_001256850.1); c.76438C>A, p.Pro25480Thr (NM_003319.4); c.95929C>A, p.Pro31977Thr (NM_133378.4); c.76813C>A, p.Pro25605Thr (NM_133432.3); c.77014C>A, p.Pro25672Thr (NM_133437.4); short protein forms P25605T, P25480T, P31977T, P34545T, P25672T, P32904T.
Identifiers: ClinVar variation 858612 (VCV000858612.10), dbSNP rs533640993, ClinGen allele CA1985573.

ClinVar aggregate classification (germline): Uncertain significance (1 of 4 stars; one submission).

Conditions:
Dilated cardiomyopathy 1G (CMD1G). Identifiers: Orphanet 154, MedGen C1858763, MONDO:0011400, OMIM 604145.
Autosomal recessive limb-girdle muscular dystrophy type 2J (LGMDR10). Also called: Limb-girdle muscular dystrophy, type 2J; MUSCULAR DYSTROPHY, LIMB-GIRDLE, AUTOSOMAL RECESSIVE 10. Identifiers: Orphanet 140922, MedGen C1837342, MONDO:0012127, OMIM 608807.

Allele frequency attached by ClinVar (database versions not stated): gnomAD exomes below 0.00001 and 0.00002; gnomAD 0.00001 and 0.00002; TOPMed 0.00001; ExAC 0.00002; 1000 Genomes Project 30x 0.00016; 1000 Genomes Project 0.00020.
gnomAD v4.1: 8 of 1,613,826 alleles (0.0005%); highest among the groups gnomAD compares: East Asian, 0.016%; no homozygotes.

Submission:

Labcorp Genetics (formerly Invitae), Labcorp
Classification: Uncertain significance for Dilated cardiomyopathy 1G; Autosomal recessive limb-girdle muscular dystrophy type 2J. Last evaluated: 2025-05-26. Review status: criteria provided, single submitter. Criteria: Invitae Variant Classification Sherloc (09022015). Collection method: clinical testing. Allele origin: germline.
Comment: This sequence change replaces proline, which is neutral and non-polar, with threonine, which is neutral and polar, at codon 34545 of the TTN protein (p.Pro34545Thr). This variant is present in population databases (rs533640993, gnomAD 0.02%). This missense change has been observed in individual(s) with dilated cardiomyopathy (PMID: 31983221). ClinVar contains an entry for this variant (Variation ID: 858612). Experimental studies and prediction algorithms are not available or were not evaluated, and the functional significance of this variant is currently unknown. This variant is located in the M band of TTN (PMID: 25589632). Non-truncating variants in this region may be relevant for neuromuscular disorders, but have not been definitively shown to cause cardiomyopathy (PMID: 23975875). In summary, the available evidence is currently insufficient to determine the role of this variant in disease. Therefore, it has been classified as a Variant of Uncertain Significance.

Literature cited by the submitters: PubMed 31983221; PubMed 25589632; PubMed 23975875.